The following is an entry in ClinVar:

NM_001347721.2(DYRK1A):c.11-14_11-13del

Gene: DYRK1A (dual specificity tyrosine phosphorylation regulated kinase 1A; plus strand). Cytogenetic location: 21q22.13.
Variant type: Deletion.
Coding change: c.11-14_11-13del on transcript NM_001347721.2 (MANE Select); 14 bases into the intron before coding-DNA position 11 through 13 bases into the intron before coding-DNA position 11, 2 bases deleted (TT; older notation c.11-14_11-13delTT).
Molecular consequence: intron variant.
Genome position (GRCh38, 1-based): chr21:37,472,670-37,472,671, TT deleted. VCF-style (leftmost placement, unchanged base first): chr21-37472669-CTT-C. GRCh37 (hg19) VCF-style: chr21-38844971-CTT-C.
Other names: c.11-14_11-13del (NM_001396.5, NM_001347722.2, NM_101395.2 and 2 more transcripts); c.-77-14_-77-13del (NM_001347723.2).
Identifiers: ClinVar variation 420556 (VCV000420556.1), dbSNP rs1064794556, ClinGen allele CA16620993.
Genomic context (GRCh38, chr21:37,472,669, plus strand): 5'-AACCATTAGATATGTCAAATGATACAAACATTAGGATATGAATATTTCCTTTAAACCTCA[CTT>C]ATCTTCTTGTAGGAGGAGAGACTTCAGCATGCAAACCTTCATCTGTTCGGCTTGCACCGT-3'

ClinVar aggregate classification (germline): Likely benign (1 of 4 stars; one submission).

Submission:

GeneDx
Classification: Likely benign. Last evaluated: 2016-03-08. Review status: criteria provided, single submitter. Criteria: GeneDx Variant Classification (06012015). Collection method: clinical testing. Allele origin: germline. Affected: yes.
Comment: This variant is considered likely benign or benign based on one or more of the following criteria: it is a conservative change, it occurs at a poorly conserved position in the protein, it is predicted to be benign by multiple in silico algorithms, and/or has population frequency not consistent with disease.